The following is an entry in ClinVar:

GRCh38/hg38 Xq21.33(chrX:96635070-96965204)x2

Genes: DIAPH2 (diaphanous related formin 2; plus strand), RPA4 (replication protein A4; plus strand), LOC130068478 (ATAC-STARR-seq lymphoblastoid silent region 20912; plus strand), LOC130068479 (ATAC-STARR-seq lymphoblastoid active region 29796; plus strand), LOC130068480 (ATAC-STARR-seq lymphoblastoid active region 29797; plus strand) and 1 more. Cytogenetic location: Xq21.33.
Variant type: copy number gain.
Change: copy number 2 of chrX:96,635,070-96,965,204 (330.1 kb, GRCh38 coordinates, 1-based), cytogenetic band Xq21.33.
Identifiers: ClinVar variation 60350 (VCV000060350.1).

ClinVar aggregate classification (germline): Uncertain significance (1 of 4 stars; one submission).

Submission:

ISCA site 15
Classification: Uncertain significance. Last evaluated: 2011-08-12. Review status: criteria provided, single submitter. Criteria: Kaminsky et al. (Genet Med. 2011). Collection method: clinical testing. Allele origin: unknown. Affected: yes. Observed: 1 variant allele.
Comment: Copy number variation identified through the course of routine clinical cytogenomic testing in postnatal populations. Clinical assertions have been curated as described in Kaminsky et al. 2011.